The following is an entry in ClinVar:

ClinVar aggregate classification (germline): Pathogenic. Review status: criteria provided, multiple submitters, no conflicts (2 of 4 stars). 5 submissions from 5 submitters: Pathogenic (5). Last evaluated 2025-10-30.

Conditions:
Hereditary cancer-predisposing syndrome. Also called: Tumor predisposition; Hereditary Cancer Syndrome; Neoplastic Syndromes, Hereditary; Hereditary neoplastic syndrome. Identifiers: Orphanet 140162, MedGen C0027672, MeSH D009386, MONDO:0015356.
Familial cancer of breast. Also called: Hereditary breast cancer; hereditary breast carcinoma; BREAST CANCER, FAMILIAL. Identifiers: Orphanet 227535, MedGen C0346153, MONDO:0016419, OMIM 114480. Disease mechanism: loss of function.
Ataxia-telangiectasia syndrome (AT). Also called: Cerebello-oculocutaneous telangiectasia; Immunodeficiency with ataxia telangiectasia; Ataxia-telangiectasia, complementation group D; AT, COMPLEMENTATION GROUP C; Ataxia-telangiectasia, complementation group E; LOUIS-BAR SYNDROME. Identifiers: Orphanet 100, MedGen C0004135, MONDO:0008840, OMIM 208900.

Allele frequency attached by ClinVar (database versions not stated): gnomAD exomes below 0.00001; TOPMed 0.00001.
gnomAD v4.1: 2 of 1,614,074 alleles (0.00012%); highest among the groups gnomAD compares: Non-Finnish European, 0.000085%; no homozygotes.

Submissions (5):

Labcorp Genetics (formerly Invitae), Labcorp
Classification: Pathogenic for Ataxia-telangiectasia syndrome. Last evaluated: 2025-10-30. Review status: criteria provided, single submitter. Criteria: Invitae Variant Classification Sherloc (09022015). Collection method: clinical testing. Allele origin: germline.
Comment: This sequence change creates a premature translational stop signal (p.Gln499*) in the ATM gene. It is expected to result in an absent or disrupted protein product. Loss-of-function variants in ATM are known to be pathogenic (PMID: 23807571, 25614872). This variant is not present in population databases (gnomAD no frequency). This premature translational stop signal has been observed in individual(s) with clinical features of ataxia-telangiectasia (internal data). In at least one individual the data is consistent with being in trans (on the opposite chromosome) from a pathogenic variant. ClinVar contains an entry for this variant (Variation ID: 453374). For these reasons, this variant has been classified as Pathogenic.

Color Diagnostics, LLC DBA Color Health
Classification: Pathogenic for Hereditary cancer-predisposing syndrome. Last evaluated: 2024-07-09. Review status: criteria provided, single submitter. Criteria: ACMG Guidelines, 2015. Collection method: clinical testing. Allele origin: germline.
Comment: This variant changes 1 nucleotide in exon 10 of the ATM gene, creating a premature translation stop signal. This variant is expected to result in an absent or non-functional protein product. To our knowledge, this variant has not been reported in individuals affected with hereditary cancer in the literature. This variant has been observed on the opposite chromosome (in trans) from a pathogenic variant in an individual with clinical features of autosomal recessive ataxia-telangiectasia (ClinVar SCV000622265.5), indicating that this variant contributes to disease. This variant has not been identified in the general population by the Genome Aggregation Database (gnomAD). Loss of ATM function is a known mechanism of disease. Based on the available evidence, this variant is classified as Pathogenic.

Myriad Genetics, Inc.
Classification: Pathogenic for Familial cancer of breast. Last evaluated: 2024-01-16. Review status: criteria provided, single submitter. Criteria: Myriad Autosomal Dominant, Autosomal Recessive and X-Linked Classification Criteria (2023). Collection method: clinical testing. Allele origin: unknown.
Comment: This variant is considered pathogenic. This variant creates a termination codon and is predicted to result in premature protein truncation.

Ambry Genetics
Classification: Pathogenic for Hereditary cancer-predisposing syndrome. Last evaluated: 2023-05-03. Review status: criteria provided, single submitter. Criteria: Ambry Variant Classification Scheme 2023. Collection method: clinical testing. Allele origin: germline.
Comment: The p.Q499* pathogenic mutation (also known as c.1495C>T), located in coding exon 9 of the ATM gene, results from a C to T substitution at nucleotide position 1495. This changes the amino acid from a glutamine to a stop codon within coding exon 9. This alteration is expected to result in loss of function by premature protein truncation or nonsense-mediated mRNA decay. As such, this alteration is interpreted as a disease-causing mutation.

Mendelics
Classification: Pathogenic for Ataxia-telangiectasia syndrome. Last evaluated: 2018-07-02. Review status: criteria provided, single submitter. Criteria: Mendelics Assertion Criteria 2017. Collection method: clinical testing. Allele origin: unknown.

Literature cited by the submitters: PubMed 23807571 (cited by Labcorp Genetics (formerly Invitae), Labcorp); PubMed 25614872 (cited by Labcorp Genetics (formerly Invitae), Labcorp).

NM_000051.4(ATM):c.1495C>T (p.Gln499Ter)

Gene: ATM (ATM serine/threonine kinase; plus strand). Cytogenetic location: 11q22.3.
Variant type: single nucleotide variant.
Coding change: c.1495C>T on transcript NM_000051.4 (MANE Select); coding-DNA position 1495, C replaced by T.
Protein change: p.Gln499Ter; replaces glutamine 499 with a stop codon.
Molecular consequence: nonsense.
Genome position (GRCh38, 1-based): chr11:108,250,960, C>T. VCF-style: chr11-108250960-C-T. GRCh37 (hg19) VCF-style: chr11-108121687-C-T.
Other names: c.1495C>T, p.Gln499Ter (NM_001351834.2); short protein forms Q499*.
Identifiers: ClinVar variation 453374 (VCV000453374.15), dbSNP rs1555071075, ClinGen allele CA382534219.